The following is an entry in ClinVar:

NM_006947.4(SRP72):c.524C>G (p.Thr175Arg)

Gene: SRP72 (signal recognition particle 72; plus strand). Cytogenetic location: 4q12.
Variant type: single nucleotide variant.
Coding change: c.524C>G on transcript NM_006947.4 (MANE Select); coding-DNA position 524, C replaced by G.
Protein change: p.Thr175Arg; replaces threonine 175 with arginine.
Molecular consequence: missense variant. On other transcripts: non-coding transcript variant (1).
Genome position (GRCh38, 1-based): chr4:56,474,305, C>G. VCF-style: chr4-56474305-C-G. GRCh37 (hg19) VCF-style: chr4-57340471-C-G.
Other names: c.524C>G, p.Thr175Arg (NM_001267722.2); short protein forms T175R.
Identifiers: ClinVar variation 4728252 (VCV004728252.2).

ClinVar aggregate classification (germline): Uncertain significance. Review status: criteria provided, multiple submitters, no conflicts (2 of 4 stars). 2 submissions from 2 submitters: Uncertain significance (2). Last evaluated 2025-12-03.

gnomAD v4.1: 1 of 1,613,978 alleles (0.000062%); no homozygotes.

Submissions (2):

Labcorp Genetics (formerly Invitae), Labcorp
Classification: Uncertain significance. Last evaluated: 2025-12-03. Review status: criteria provided, single submitter. Criteria: Invitae Variant Classification Sherloc (09022015). Collection method: clinical testing. Allele origin: germline.
Comment: This sequence change replaces threonine, which is neutral and polar, with arginine, which is basic and polar, at codon 175 of the SRP72 protein (p.Thr175Arg). This variant is not present in population databases (gnomAD no frequency). This variant has not been reported in the literature in individuals affected with SRP72-related conditions. Invitae Evidence Modeling of protein sequence and biophysical properties (such as structural, functional, and spatial information, amino acid conservation, physicochemical variation, residue mobility, and thermodynamic stability) indicates that this missense variant is expected to disrupt SRP72 protein function with a positive predictive value of 80%. In summary, the available evidence is currently insufficient to determine the role of this variant in disease. Therefore, it has been classified as a Variant of Uncertain Significance.

Blueprint Genetics
Classification: Uncertain significance. Last evaluated: 2024-05-31. Review status: criteria provided, single submitter. Criteria: ACMG Guidelines, 2015. Collection method: clinical testing. Allele origin: germline.